The following is an entry in ClinVar:

NM_000548.5(TSC2):c.5199_5202delinsTGAC (p.Thr1733_Asp1734=)

Gene: TSC2 (TSC complex subunit 2; plus strand). Cytogenetic location: 16p13.3.
Variant type: Indel.
Coding change: c.5199_5202delinsTGAC on transcript NM_000548.5 (MANE Select); coding-DNA positions 5199 to 5202, CGAT replaced by TGAC.
Protein change: p.Thr1733_Asp1734=.
Molecular consequence: synonymous variant. On other transcripts: non-coding transcript variant (5).
Genome position (GRCh38, 1-based): chr16:2,088,265-2,088,268, CGAT replaced by TGAC. VCF-style: chr16-2088265-CGAT-TGAC. GRCh37 (hg19) VCF-style: chr16-2138266-CGAT-TGAC.
Other names: c.4998_5001delinsTGAC, p.Thr1666_Asp1667= (NM_001077183.3); c.5130_5133delinsTGAC, p.Thr1710_Asp1711= (NM_001114382.3); c.4890_4893delinsTGAC, p.Thr1630_Asp1631= (NM_001318827.2); c.4854_4857delinsTGAC, p.Thr1618_Asp1619= (NM_001318829.2); c.4467_4470delinsTGAC, p.Thr1489_Asp1490= (NM_001318831.2); c.5031_5034delinsTGAC, p.Thr1677_Asp1678= (NM_001318832.2); c.5001_5004delinsTGAC, p.Thr1667_Asp1668= (NM_001363528.2); c.5067_5070delinsTGAC, p.Thr1689_Asp1690= (NM_001370404.1); and 27 more.
Identifiers: ClinVar variation 4071025 (VCV004071025.1).

ClinVar aggregate classification (germline): Benign (1 of 4 stars; one submission).

Conditions:
Tuberous sclerosis 2 (TSC2). Identifiers: Orphanet 805, MedGen C1860707, MONDO:0013199, OMIM 613254.

Submission:

Myriad Genetics, Inc.
Classification: Benign for Tuberous sclerosis 2. Last evaluated: 2025-06-06. Review status: criteria provided, single submitter. Criteria: Myriad Autosomal Dominant, Autosomal Recessive and X-Linked Classification Criteria (2023). Collection method: clinical testing. Allele origin: unknown.
Comment: This variant is considered benign. This variant is a silent/synonymous amino acid change and it is not expected to impact splicing.